The following is an entry in ClinVar:

NM_144970.3(CXorf38):c.754C>A (p.Gln252Lys)

Gene: CXorf38 (chromosome X open reading frame 38; minus strand). Cytogenetic location: Xp11.4.
Variant type: single nucleotide variant.
Coding change: c.754C>A on transcript NM_144970.3 (MANE Select); coding-DNA position 754, C replaced by A.
Protein change: p.Gln252Lys; replaces glutamine 252 with lysine.
Molecular consequence: missense variant.
Genome position (GRCh38, 1-based): chrX:40,636,580, G>T on the plus strand (C>A on the coding strand, the complement: CXorf38 is on the minus strand). VCF-style: chrX-40636580-G-T. GRCh37 (hg19) VCF-style: chrX-40495832-G-T.
Other names: c.397C>A, p.Gln133Lys (NM_001330455.2); short protein forms Q133K, Q252K.
Identifiers: ClinVar variation 4869555 (VCV004869555.1).

ClinVar aggregate classification (germline): Uncertain significance (1 of 4 stars; one submission).

Submission:

Ambry Genetics
Classification: Uncertain significance. Last evaluated: 2026-05-26. Review status: criteria provided, single submitter. Criteria: Ambry Variant Classification Scheme 2023. Collection method: clinical testing. Allele origin: germline.
Comment: The c.754C>A (p.Q252K) alteration is located in exon 5 (coding exon 5) of the CXorf38 gene. This alteration results from a C to A substitution at nucleotide position 754, causing the glutamine (Q) at amino acid position 252 to be replaced by a lysine (K). Based on data from gnomAD, the A allele has an overall frequency of <0.001% (1/182841) total alleles studied. The highest observed frequency was 0.001% (1/81570) of European (non-Finnish) alleles. Based on insufficient or conflicting evidence, the clinical significance of this alteration remains unclear.